The following is an entry in ClinVar:

ClinVar aggregate classification (germline): Uncertain significance (1 of 4 stars; one submission).

Allele frequency attached by ClinVar (database versions not stated): gnomAD 0.00001.
gnomAD v4.1: 1 of 1,613,934 alleles (0.000062%); highest among the groups gnomAD compares: African/African-American, 0.0013%; no homozygotes.

Submission:

Labcorp Genetics (formerly Invitae), Labcorp
Classification: Uncertain significance. Last evaluated: 2023-12-06. Review status: criteria provided, single submitter. Criteria: Invitae Variant Classification Sherloc (09022015). Collection method: clinical testing. Allele origin: germline.
Comment: This sequence change replaces proline, which is neutral and non-polar, with leucine, which is neutral and non-polar, at codon 1138 of the COL4A1 protein (p.Pro1138Leu). This variant is not present in population databases (gnomAD no frequency). This variant has not been reported in the literature in individuals affected with COL4A1-related conditions. An algorithm developed to predict the effect of missense changes on protein structure and function (PolyPhen-2) suggests that this variant is likely to be disruptive. In summary, the available evidence is currently insufficient to determine the role of this variant in disease. Therefore, it has been classified as a Variant of Uncertain Significance.

NM_001845.6(COL4A1):c.3413C>T (p.Pro1138Leu)

Gene: COL4A1 (collagen type IV alpha 1 chain; minus strand). Cytogenetic location: 13q34.
Variant type: single nucleotide variant.
Coding change: c.3413C>T on transcript NM_001845.6 (MANE Select); coding-DNA position 3413, C replaced by T.
Protein change: p.Pro1138Leu; replaces proline 1138 with leucine.
Molecular consequence: missense variant.
Genome position (GRCh38, 1-based): chr13:110,173,992, G>A on the plus strand (C>T on the coding strand, the complement: COL4A1 is on the minus strand). VCF-style: chr13-110173992-G-A. GRCh37 (hg19) VCF-style: chr13-110826339-G-A.
Other names: short protein forms P1138L.
Identifiers: ClinVar variation 2812226 (VCV002812226.3), dbSNP rs1877761619, ClinGen allele CA388664290.